The following is an entry in ClinVar:

NC_000017.10:g.(?_29676126)_(29679442_?)del

Gene: NF1 (neurofibromin 1; plus strand). Cytogenetic location: 17q11.2.
Variant type: Deletion.
Identifiers: ClinVar variation 3242878 (VCV003242878.1).

ClinVar aggregate classification (germline): Pathogenic (1 of 4 stars; one submission).

Conditions:
Neurofibromatosis, type 1 (NF1). Also called: VON RECKLINGHAUSEN DISEASE; Neurofibromatosis, type I; Peripheral type neurofibromatosis; NEUROFIBROMATOSIS, TYPE I, SOMATIC. Identifiers: Orphanet 636, MedGen C0027831, MONDO:0018975, OMIM 162200. Disease mechanism: loss of function.

Submission:

Labcorp Genetics (formerly Invitae), Labcorp
Classification: Pathogenic for Neurofibromatosis, type 1. Last evaluated: 2023-05-13. Review status: criteria provided, single submitter. Criteria: Invitae Variant Classification Sherloc (09022015). Collection method: clinical testing. Allele origin: unknown.
Comment: For these reasons, this variant has been classified as Pathogenic. This variant has not been reported in the literature in individuals affected with NF1-related conditions. This variant is a gross deletion of the genomic region encompassing exon(s) 48-50 of the NF1 gene. This deletion is out-of-frame, and is expected to create a premature termination codon and result in an absent or disrupted protein product. Loss-of-function variants in NF1 are known to be pathogenic (PMID: 10712197, 23913538).

Literature cited by the submitters: PubMed 10712197; PubMed 23913538.